The following is an entry in ClinVar:

ClinVar aggregate classification (germline): Likely benign. Review status: criteria provided, multiple submitters, no conflicts (2 of 4 stars). 4 submissions from 4 submitters: Likely benign (4). Last evaluated 2026-01-01.

Conditions:
Nephronophthisis. Also called: Juvenile Nephronophthisis. Identifiers: Orphanet 655, MedGen C0687120, MONDO:0019005, HP:0000090.
Senior-Loken syndrome 5 (SLSN5). Identifiers: Orphanet 3156, MedGen C1836517, MONDO:0012225, OMIM 609254.
IQCB1-related disorder. Also called: IQCB1-related condition.

Allele frequency attached by ClinVar (database versions not stated): gnomAD 0.00003 and 0.00004; gnomAD exomes 0.00004 and 0.00008; TOPMed 0.00005; ExAC 0.00008; ESP Exome Variant Server 0.00015.
gnomAD v4.1: 71 of 1,604,860 alleles (0.0044%); highest among the groups gnomAD compares: African/African-American, 0.0013%; no homozygotes.

Submissions (4):

Labcorp Genetics (formerly Invitae), Labcorp
Classification: Likely benign for Nephronophthisis. Last evaluated: 2026-01-01. Review status: criteria provided, single submitter. Criteria: Invitae Variant Classification Sherloc (09022015). Collection method: clinical testing. Allele origin: germline.

PreventionGenetics, part of Exact Sciences
Classification: Likely benign for IQCB1-related condition. Last evaluated: 2024-11-14. Review status: criteria provided, single submitter. Criteria: ACMG Guidelines, 2015. Collection method: clinical testing. Allele origin: germline.
Comment: This variant is classified as likely benign based on ACMG/AMP sequence variant interpretation guidelines (Richards et al. 2015 PMID: 25741868, with internal and published modifications).

Blueprint Genetics
Classification: Likely benign. Last evaluated: 2022-03-22. Review status: criteria provided, single submitter. Criteria: ACMG Guidelines, 2015. Collection method: clinical testing. Allele origin: germline.

Fulgent Genetics
Classification: Likely benign for Senior-Loken syndrome 5. Last evaluated: 2021-09-20. Review status: criteria provided, single submitter. Criteria: ACMG Guidelines, 2015. Collection method: clinical testing. Allele origin: unknown.

NM_001023570.4(IQCB1):c.162T>C (p.Tyr54=)

Gene: IQCB1 (IQ motif containing B1; minus strand). Cytogenetic location: 3q13.33.
Variant type: single nucleotide variant.
Coding change: c.162T>C on transcript NM_001023570.4 (MANE Select); coding-DNA position 162, T replaced by C.
Protein change: p.Tyr54=; no amino-acid change (tyrosine 54 retained).
Molecular consequence: synonymous variant. On other transcripts: non-coding transcript variant (1).
Genome position (GRCh38, 1-based): chr3:121,828,571, A>G on the plus strand (T>C on the coding strand, the complement: IQCB1 is on the minus strand). VCF-style: chr3-121828571-A-G. GRCh37 (hg19) VCF-style: chr3-121547418-A-G.
Other names: c.162T>C (NM_001023570.3); c.162T>C, p.Tyr54= (NM_001023571.4, NM_001319107.2).
Identifiers: ClinVar variation 1140863 (VCV001140863.12), dbSNP rs149152786, ClinGen allele CA2567501.